The following is an entry in ClinVar:

ClinVar aggregate classification (germline): Uncertain significance (1 of 4 stars; one submission).

Conditions:
Immunodeficiency 35 (IMD35). Also called: HIES WITH ATYPICAL MYCOBACTERIOSIS, AUTOSOMAL RECESSIVE; Susceptibility to infection due to TYK2 deficiency; HYPER-IgE SYNDROME WITH ATYPICAL MYCOBACTERIOSIS, AUTOSOMAL RECESSIVE; TYK2 DEFICIENCY. Identifiers: Orphanet 331226, MedGen C1969086, MONDO:0012682, OMIM 611521.

Allele frequency attached by ClinVar (database versions not stated): gnomAD exomes below 0.00001.
gnomAD v4.1: 3 of 1,604,644 alleles (0.00019%); highest among the groups gnomAD compares: South Asian, 0.0033%; no homozygotes.

Submission:

Labcorp Genetics (formerly Invitae), Labcorp
Classification: Uncertain significance for Immunodeficiency 35. Last evaluated: 2020-06-10. Review status: criteria provided, single submitter. Criteria: Invitae Variant Classification Sherloc (09022015). Collection method: clinical testing. Allele origin: germline.
Comment: In summary, the available evidence is currently insufficient to determine the role of this variant in disease. Therefore, it has been classified as a Variant of Uncertain Significance. Nucleotide substitutions within the consensus splice site are a relatively common cause of aberrant splicing (PMID: 17576681, 9536098). Algorithms developed to predict the effect of sequence changes on RNA splicing suggest that this variant is not likely to affect RNA splicing, but this prediction has not been confirmed by published transcriptional studies. This variant has not been reported in the literature in individuals with TYK2-related conditions. This variant is not present in population databases (ExAC no frequency). This sequence change falls in intron 15 of the TYK2 gene. It does not directly change the encoded amino acid sequence of the TYK2 protein, but it affects a nucleotide within the consensus splice site of the intron.

Literature cited by the submitters: PubMed 17576681; PubMed 9536098.

NM_003331.5(TYK2):c.2176-3C>T

Gene: TYK2 (tyrosine kinase 2; minus strand). Cytogenetic location: 19p13.2.
Variant type: single nucleotide variant.
Coding change: c.2176-3C>T on transcript NM_003331.5 (MANE Select); 3 bases into the intron before coding-DNA position 2176, C replaced by T.
Molecular consequence: intron variant.
Genome position (GRCh38, 1-based): chr19:10,358,141, G>A on the plus strand (C>T on the coding strand, the complement: TYK2 is on the minus strand). VCF-style: chr19-10358141-G-A. GRCh37 (hg19) VCF-style: chr19-10468817-G-A.
Other names: c.1990-3C>T (NM_001385199.1); c.2086-3C>T (NM_001385205.1); c.1978-3C>T (NM_001385201.1); c.2050-3C>T (NM_001385206.1); c.2158-3C>T (NM_001385207.1); c.2092-3C>T (NM_001385202.1); c.2176-3C>T (NM_001385200.1, NM_001385198.1, NM_001385197.1 and 2 more transcripts).
Identifiers: ClinVar variation 1054470 (VCV001054470.9), dbSNP rs2145187614, ClinGen allele CA2499225254.